The following is an entry in ClinVar:

ClinVar aggregate classification (germline): Uncertain significance (1 of 4 stars; one submission).

Submission:

CeGaT Center for Human Genetics Tuebingen
Classification: Uncertain significance. Last evaluated: 2022-08-01. Review status: criteria provided, single submitter. Criteria: CeGaT Center For Human Genetics Tuebingen Variant Classification Criteria Version 2. Collection method: clinical testing. Allele origin: germline. Affected: yes. Observed: 1 variant allele.
Comment: SLC1A3: PM2, PS2:Supporting

NM_004172.5(SLC1A3):c.904G>T (p.Val302Leu)

Genes: SLC1A3 (solute carrier family 1 member 3; plus strand), SLC1A3-AS1 (SLC1A3 antisense RNA 1; minus strand). Cytogenetic location: 5p13.2.
Variant type: single nucleotide variant.
Coding change: c.904G>T on transcript NM_004172.5 (MANE Select); coding-DNA position 904, G replaced by T.
Protein change: p.Val302Leu; replaces valine 302 with leucine.
Molecular consequence: missense variant.
Genome position (GRCh38, 1-based): chr5:36,679,670, G>T. VCF-style: chr5-36679670-G-T. GRCh37 (hg19) VCF-style: chr5-36679772-G-T.
Other names: c.904G>T, p.Val302Leu (NM_001166695.3); c.766G>T, p.Val256Leu (NM_001289939.2); c.568G>T, p.Val190Leu (NM_001289940.2); short protein forms V190L, V256L, V302L.
Identifiers: ClinVar variation 1711602 (VCV001711602.30), dbSNP rs1742354614, ClinGen allele CA359480728.